The following is an entry in ClinVar:

ClinVar aggregate classification (germline): Uncertain significance (1 of 4 stars; one submission).

Conditions:
Cardiovascular phenotype. Identifiers: MedGen CN230736.

Submission:

Ambry Genetics
Classification: Uncertain significance for Cardiovascular phenotype. Last evaluated: 2024-01-23. Review status: criteria provided, single submitter. Criteria: Ambry Variant Classification Scheme 2023. Collection method: clinical testing. Allele origin: germline.
Comment: The c.112+4delA intronic variant is located 4 nucleotides after coding exon 1 of the CSRP3 gene. This variant results from a deletion of one nucleotide at position c.112+4. This nucleotide position is highly conserved in available vertebrate species. In silico splice site analysis predicts that this alteration may weaken the native splice donor site. Based on the available evidence, the clinical significance of this alteration remains unclear.

NM_003476.5(CSRP3):c.112+4del

Gene: CSRP3 (cysteine and glycine rich protein 3; minus strand). Cytogenetic location: 11p15.1.
Variant type: Deletion.
Coding change: c.112+4del on transcript NM_003476.5 (MANE Select); 4 bases into the intron after coding-DNA position 112, one base deleted (A; older notation c.112+4delA).
Molecular consequence: intron variant.
Genome position (GRCh38, 1-based): chr11:19,192,333, T deleted on the plus strand (A on the coding strand, the reverse complement: CSRP3 is on the minus strand). VCF-style (leftmost placement, unchanged base first): chr11-19192332-CT-C. GRCh37 (hg19) VCF-style: chr11-19213879-CT-C.
Other names: c.112+4del (NM_001369404.1).
Identifiers: ClinVar variation 3223379 (VCV003223379.1), dbSNP rs2494228932, ClinGen allele CA2825001880.